The following is an entry in ClinVar:

NM_004958.4(MTOR):c.1671G>A (p.Met557Ile)

Gene: MTOR (mechanistic target of rapamycin kinase; minus strand). Cytogenetic location: 1p36.22.
Variant type: single nucleotide variant.
Coding change: c.1671G>A on transcript NM_004958.4 (MANE Select); coding-DNA position 1671, G replaced by A.
Protein change: p.Met557Ile; replaces methionine 557 with isoleucine.
Molecular consequence: missense variant.
Genome position (GRCh38, 1-based): chr1:11,240,418, C>T on the plus strand (G>A on the coding strand, the complement: MTOR is on the minus strand). VCF-style: chr1-11240418-C-T. GRCh37 (hg19) VCF-style: chr1-11300475-C-T.
Other names: c.1671G>A, p.Met557Ile (NM_001386500.1); c.423G>A, p.Met141Ile (NM_001386501.1); short protein forms M557I, M141I.
Identifiers: ClinVar variation 1405350 (VCV001405350.8), dbSNP rs1647854420, ClinGen allele CA338392547.

ClinVar aggregate classification (germline): Uncertain significance (1 of 4 stars; one submission).

Allele frequency attached by ClinVar (database versions not stated): TOPMed below 0.00001.

Submission:

Labcorp Genetics (formerly Invitae), Labcorp
Classification: Uncertain significance. Last evaluated: 2026-01-26. Review status: criteria provided, single submitter. Criteria: Invitae Variant Classification Sherloc (09022015). Collection method: clinical testing. Allele origin: germline.
Comment: This sequence change replaces methionine, which is neutral and non-polar, with isoleucine, which is neutral and non-polar, at codon 557 of the MTOR protein (p.Met557Ile). This variant is not present in population databases (gnomAD no frequency). This variant has not been reported in the literature in individuals affected with MTOR-related conditions. ClinVar contains an entry for this variant (Variation ID: 1405350). Invitae Evidence Modeling of protein sequence and biophysical properties (such as structural, functional, and spatial information, amino acid conservation, physicochemical variation, residue mobility, and thermodynamic stability) indicates that this missense variant is not expected to disrupt MTOR protein function with a negative predictive value of 95%. In summary, the available evidence is currently insufficient to determine the role of this variant in disease. Therefore, it has been classified as a Variant of Uncertain Significance.